The following is an entry in ClinVar:

NM_001987.5(ETV6):c.872G>A (p.Arg291Lys)

Gene: ETV6 (ETS variant transcription factor 6; plus strand). Cytogenetic location: 12p13.2.
Variant type: single nucleotide variant.
Coding change: c.872G>A on transcript NM_001987.5 (MANE Select); coding-DNA position 872, G replaced by A.
Protein change: p.Arg291Lys; replaces arginine 291 with lysine.
Molecular consequence: missense variant.
Genome position (GRCh38, 1-based): chr12:11,869,832, G>A. VCF-style: chr12-11869832-G-A. GRCh37 (hg19) VCF-style: chr12-12022766-G-A.
Other names: c.869G>A, p.Arg290Lys (NM_001413913.1); c.845G>A, p.Arg282Lys (NM_001413914.1); c.608G>A, p.Arg203Lys (NM_001413915.1); c.872G>A, p.Arg291Lys (NM_001413916.1, NM_001413917.1); short protein forms R203K, R282K, R290K, R291K.
Identifiers: ClinVar variation 2443127 (VCV002443127.3), dbSNP rs72550787, ClinGen allele CA6454346.
Genomic context (GRCh38, chr12:11,869,832, plus strand): 5'-GCCCCATCATGCACCCTCTGATCCTGAACCCCCGGCACTCCGTGGATTTCAAACAGTCCA[G>A]GCTCTCCGAGGACGGGCTGCATAGGGAAGGGAAGCCCATCAACCTCTCTCATCGGGAAGA-3'
Protein context (NP_001978.1, residues 281-301): PRHSVDFKQS[Arg291Lys]LSEDGLHREG

ClinVar aggregate classification (germline): Benign. Review status: criteria provided, single submitter (1 of 4 stars). 2 submissions from 2 submitters: Benign (1). 1 of the submissions does not count toward it. Last evaluated 2024-12-16.

Conditions:
Inborn genetic diseases. Identifiers: MedGen C0950123, MeSH D030342.

Allele frequency attached by ClinVar (database versions not stated): gnomAD exomes 0.00001; gnomAD 0.00007; TOPMed 0.00008; ExAC 0.00012; 1000 Genomes Project 30x 0.00047; 1000 Genomes Project 0.00060.
gnomAD v4.1: 35 of 1,613,402 alleles (0.0022%); highest among the groups gnomAD compares: East Asian, 0.065%; no homozygotes.

Submissions (2):

Ambry Genetics
Classification: Benign for Inborn genetic diseases. Last evaluated: 2024-12-16. Review status: criteria provided, single submitter. Criteria: Ambry Variant Classification Scheme 2023. Collection method: clinical testing. Allele origin: germline.

Genetic Services Laboratory, University of Chicago
Classification: Uncertain significance. Last evaluated: 2022-06-24. Review status: no assertion criteria provided. Collection method: clinical testing. Allele origin: germline. Affected: no. Not counted in ClinVar's aggregate classification.
Comment: DNA sequence analysis of the ETV6 gene demonstrated a sequence change, c.872G>A, in exon 5 that results in an amino acid change, p.Arg291Lys. This sequence change does not appear to have been previously described in individuals with ETV6-related disorders. This sequence change has been described in the gnomAD database with a frequency of 0.16% in the East Asian subpopulation (dbSNP rs72550787). The p.Arg291Lys change affects a highly conserved amino acid residue located in a domain of the ETV6 protein that is not known to be functional. In-silico pathogenicity prediction tools (SIFT, PolyPhen2, Align GVGD, REVEL) provide contradictory results for the p.Arg291Lys substitution. Due to insufficient evidences and the lack of functional studies, the clinical significance of the p.Arg291Lys change remains unknown at this time.

Literature cited by the submitters: PubMed 32693409 (cited by Ambry Genetics).